The following is an entry in ClinVar:

ClinVar aggregate classification (germline): Uncertain significance (1 of 4 stars; one submission).

gnomAD v4.1: 5 of 1,613,698 alleles (0.00031%); highest among the groups gnomAD compares: African/African-American, 0.0013%; no homozygotes.

Submission:

Labcorp Genetics (formerly Invitae), Labcorp
Classification: Uncertain significance. Last evaluated: 2024-10-03. Review status: criteria provided, single submitter. Criteria: Invitae Variant Classification Sherloc (09022015). Collection method: clinical testing. Allele origin: germline.
Comment: This sequence change replaces asparagine, which is neutral and polar, with serine, which is neutral and polar, at codon 263 of the ANGPT1 protein (p.Asn263Ser). This variant is present in population databases (no rsID available, gnomAD 0.007%). This variant has not been reported in the literature in individuals affected with ANGPT1-related conditions. An algorithm developed to predict the effect of missense changes on protein structure and function outputs the following: PolyPhen-2: "Benign". The serine amino acid residue is found in multiple mammalian species, which suggests that this missense change does not adversely affect protein function. In summary, the available evidence is currently insufficient to determine the role of this variant in disease. Therefore, it has been classified as a Variant of Uncertain Significance.

NM_001146.5(ANGPT1):c.788A>G (p.Asn263Ser)

Gene: ANGPT1 (angiopoietin 1; minus strand). Cytogenetic location: 8q23.1.
Variant type: single nucleotide variant.
Coding change: c.788A>G on transcript NM_001146.5 (MANE Select); coding-DNA position 788, A replaced by G.
Protein change: p.Asn263Ser; replaces asparagine 263 with serine.
Molecular consequence: missense variant.
Genome position (GRCh38, 1-based): chr8:107,321,916, T>C on the plus strand (A>G on the coding strand, the complement: ANGPT1 is on the minus strand). VCF-style: chr8-107321916-T-C. GRCh37 (hg19) VCF-style: chr8-108334144-T-C.
Other names: c.788A>G, p.Asn263Ser (NM_001199859.3); c.188A>G, p.Asn63Ser (NM_001314051.2); short protein forms N263S, N63S.
Identifiers: ClinVar variation 3677414 (VCV003677414.2).